The following is an entry in ClinVar:

ClinVar aggregate classification (germline): Uncertain significance (1 of 4 stars; one submission).

Submission:

Dasa
Classification: Uncertain significance. Last evaluated: 2025-06-12. Review status: criteria provided, single submitter. Criteria: DASA Assertion Criteria. Collection method: clinical testing. Allele origin: germline.
Comment: NM_000701.8(ATP1A1):c.1787G>A (p.Arg596Gln) is a missense variant that results in the substitution of arginine with glutamine. This variant is absent from population databases. Computational prediction algorithms are consistent with a deleterious effect. The currently available literature and clinical evidence are not sufficient to establish a definitive association between this variant and the reported condition. Therefore, this variant is classified as a variant of uncertain significance.

NM_000701.8(ATP1A1):c.1787G>A (p.Arg596Gln)

Genes: ATP1A1 (ATPase Na+/K+ transporting subunit alpha 1; plus strand), ATP1A1-AS1 (ATP1A1 antisense RNA 1; minus strand). Cytogenetic location: 1p13.1.
Variant type: single nucleotide variant.
Coding change: c.1787G>A on transcript NM_000701.8 (MANE Select); coding-DNA position 1787, G replaced by A.
Protein change: p.Arg596Gln; replaces arginine 596 with glutamine.
Molecular consequence: missense variant.
Genome position (GRCh38, 1-based): chr1:116,395,236, G>A. VCF-style: chr1-116395236-G-A. GRCh37 (hg19) VCF-style: chr1-116937858-G-A.
Other names: c.1694G>A, p.Arg565Gln (NM_001160234.2); c.1787G>A, p.Arg596Gln (NM_001160233.2); short protein forms R565Q, R596Q.
Identifiers: ClinVar variation 4881768 (VCV004881768.2).
Genomic context (GRCh38, chr1:116,395,236, plus strand): 5'-TGAATTTCCCTATCGATAATCTGTGCTTTGTTGGGCTCATCTCCATGATTGACCCTCCAC[G>A]GGCGGCCGTTCCTGATGCCGTGGGCAAATGTCGAAGTGCTGGAATTAAGGTAGTGCCCAG-3'
Protein context (NP_000692.2, residues 586-606): VGLISMIDPP[Arg596Gln]AAVPDAVGKC